The following is an entry in ClinVar:

ClinVar aggregate classification (germline): Likely benign. Review status: criteria provided, multiple submitters, no conflicts (2 of 4 stars). 3 submissions from 3 submitters: Likely benign (3). Last evaluated 2025-05-24.

Conditions:
Hyperkalemic periodic paralysis. Also called: Familial hyperkalemic periodic paralysis; Gamstorp disease. Identifiers: Orphanet 682, MedGen C0238357, MONDO:0008224, OMIM 170500, HP:0007215.
Congenital myasthenic syndrome 16. Identifiers: Orphanet 590, MedGen C3280112, MONDO:0013620, OMIM 614198.
Hypokalemic periodic paralysis, type 1. Also called: Hypokalemic Periodic Paralysis Type 1 (AD); HypoPP. Identifiers: Orphanet 681, MedGen C3714580, MONDO:0042979, OMIM 170400.
Paramyotonia congenita of Von Eulenburg. Also called: Myotonia congenita intermittens; Von Eulenburg paramyotonia congenita; Paramyotonia Congenita; PARALYSIS PERIODICA PARAMYOTONICA; Eulenburg disease. Identifiers: Orphanet 684, MedGen C0221055, MONDO:0008195, OMIM 168300. Disease mechanism: loss of function.
Hypokalemic periodic paralysis, type 2 (HOKPP2). Identifiers: Orphanet 681, MedGen C2750061, MONDO:0013234, OMIM 613345.
Potassium-aggravated myotonia. Also called: Myotonia congenita, atypical, acetazolamide-responsive; MYOTONIA CONGENITA, ACETAZOLAMIDE-RESPONSIVE; MYOTONIA CONGENITA, ATYPICAL; SODIUM CHANNEL MUSCLE DISEASE. Identifiers: Orphanet 612, Orphanet 99734, Orphanet 99735, Orphanet 99736, MedGen C2931826, MONDO:0018959, OMIM 608390.

Allele frequency attached by ClinVar (database versions not stated): TOPMed 0.00004; ExAC 0.00007; ESP Exome Variant Server 0.00008; gnomAD exomes 0.00010 and 0.00005; 1000 Genomes Project 30x 0.00016; 1000 Genomes Project 0.00020; gnomAD 0.00003 and 0.00004.
gnomAD v4.1: 83 of 1,613,790 alleles (0.0051%); highest among the groups gnomAD compares: Admixed American, 0.027%; no homozygotes.

Submissions (3):

Labcorp Genetics (formerly Invitae), Labcorp
Classification: Likely benign for Hyperkalemic periodic paralysis. Last evaluated: 2025-05-24. Review status: criteria provided, single submitter. Criteria: Invitae Variant Classification Sherloc (09022015). Collection method: clinical testing. Allele origin: germline.

Fulgent Genetics
Classification: Likely benign for Paramyotonia congenita of Von Eulenburg; Hypokalemic periodic paralysis, type 1; Hyperkalemic periodic paralysis; Potassium-aggravated myotonia; Hypokalemic periodic paralysis, type 2; Congenital myasthenic syndrome 16. Last evaluated: 2021-12-10. Review status: criteria provided, single submitter. Criteria: ACMG Guidelines, 2015. Collection method: clinical testing. Allele origin: unknown.

GeneDx
Classification: Likely benign. Last evaluated: 2018-05-15. Review status: criteria provided, single submitter. Criteria: GeneDx Variant Classification (06012015). Collection method: clinical testing. Allele origin: germline. Affected: yes.
Comment: This variant is considered likely benign or benign based on one or more of the following criteria: it is a conservative change, it occurs at a poorly conserved position in the protein, it is predicted to be benign by multiple in silico algorithms, and/or has population frequency not consistent with disease.

NM_000334.4(SCN4A):c.1017C>T (p.Asp339=)

Gene: SCN4A (sodium voltage-gated channel alpha subunit 4; minus strand). Cytogenetic location: 17q23.3.
Variant type: single nucleotide variant.
Coding change: c.1017C>T on transcript NM_000334.4 (MANE Select); coding-DNA position 1017, C replaced by T.
Protein change: p.Asp339=; no amino-acid change (aspartic acid 339 retained).
Molecular consequence: synonymous variant.
Genome position (GRCh38, 1-based): chr17:63,968,042, G>A on the plus strand (C>T on the coding strand, the complement: SCN4A is on the minus strand). VCF-style: chr17-63968042-G-A. GRCh37 (hg19) VCF-style: chr17-62045402-G-A.
Identifiers: ClinVar variation 543834 (VCV000543834.11), dbSNP rs375655445, ClinGen allele CA8709974.